The following is an entry in ClinVar:

NM_000487.6(ARSA):c.1492_1493insT (p.Arg498fs)

Gene: ARSA (arylsulfatase A; minus strand). Cytogenetic location: 22q13.33.
Variant type: Insertion.
Coding change: c.1492_1493insT on transcript NM_000487.6 (MANE Select); coding-DNA positions 1492 to 1493, T inserted.
Protein change: p.Arg498fs; shifts the reading frame from arginine 498.
Molecular consequence: frameshift variant.
Genome position: GRCh38 VCF-style: chr22-50625182-C-CA. GRCh37 (hg19) VCF-style: chr22-51063610-C-CA.
Other names: c.1492_1493insT, p.Arg498fs (NM_001085425.3, NM_001085426.3, NM_001085427.3); c.1234_1235insT, p.Arg412fs (NM_001085428.3, NM_001362782.2); short protein forms R412fs, R498fs.
Identifiers: ClinVar variation 4818445 (VCV004818445.1).

ClinVar aggregate classification (germline): Likely pathogenic (1 of 4 stars; one submission).

Conditions:
Metachromatic leukodystrophy (MLD). Also called: ARSA DEFICIENCY; CEREBROSIDE SULFATASE DEFICIENCY; Arylsulfatase A Deficiency; METACHROMATIC LEUKOENCEPHALOPATHY; SULFATIDE LIPIDOSIS; Cerebral sclerosis diffuse metachromatic form. Identifiers: Orphanet 512, MedGen C0023522, MONDO:0018868, OMIM 250100.

Submission:

Natera, Inc.
Classification: Likely pathogenic for Metachromatic leukodystrophy. Last evaluated: 2025-07-12. Review status: criteria provided, single submitter. Criteria: Natera Variant Classification Schema (03/2026). Collection method: clinical testing. Allele origin: germline.
Comment: The c.1492_1493insT variant in ARSA is a frameshift variant predicted to elongate the protein beyond the termination codon. This variant is expected to result in nonsense mediated decay, truncation, or a dysfunctional protein product. This variant is rare in the general population with a frequency below the threshold expected for the associated phenotype(s). Given the available evidence, this variant is classified as Likely Pathogenic.